The following is an entry in ClinVar:

NM_025137.4(SPG11):c.213_241del (p.Ser72fs)

Gene: SPG11 (SPG11 vesicle trafficking associated, spatacsin; minus strand). Cytogenetic location: 15q21.1.
Variant type: Deletion.
Coding change: c.213_241del on transcript NM_025137.4 (MANE Select); coding-DNA positions 213 to 241, 29 bases deleted (CAGCCGGGGCGGGGGTCGCTGCTGCCTGG).
Protein change: p.Ser72fs; shifts the reading frame from serine 72.
Molecular consequence: frameshift variant.
Genome position (GRCh38, 1-based): chr15:44,663,407-44,663,435, CCAGGCAGCAGCGACCCCCGCCCCGGCTG deleted on the plus strand (CAGCCGGGGCGGGGGTCGCTGCTGCCTGG on the coding strand, the reverse complement: SPG11 is on the minus strand); deleting any 29 consecutive bases within chr15:44,663,407-44,663,441 gives the same sequence; the c. name uses the placement nearest the transcript's 3' end. VCF-style (leftmost placement, unchanged base first): chr15-44663406-TCCAGGCAGCAGCGACCCCCGCCCCGGCTG-T. GRCh37 (hg19) VCF-style: chr15-44955604-TCCAGGCAGCAGCGACCCCCGCCCCGGCTG-T.
Other names: c.213_241del, p.Ser72fs (NM_001160227.2, NM_001411132.1); short protein forms S72fs.
Identifiers: ClinVar variation 3639009 (VCV003639009.2).

ClinVar aggregate classification (germline): Pathogenic (1 of 4 stars; one submission).

Conditions:
Hereditary spastic paraplegia 11. Also called: SPASTIC PARAPLEGIA, AUTOSOMAL RECESSIVE, COMPLICATED, WITH THIN CORPUS CALLOSUM; SPASTIC PARAPLEGIA, AUTOSOMAL RECESSIVE, WITH MENTAL IMPAIRMENT AND THIN CORPUS CALLOSUM; Nakamura Osame syndrome; Autosomal recessive hereditary spastic paraplegia, mental impairment, and thin corpus callosum; Spastic paraplegia, mental retardation and thin corpus callosum; Spastic Paraplegia 11. Identifiers: Orphanet 2822, MedGen C1858479, MONDO:0011445, OMIM 604360.

Submission:

Labcorp Genetics (formerly Invitae), Labcorp
Classification: Pathogenic for Hereditary spastic paraplegia 11. Last evaluated: 2024-02-06. Review status: criteria provided, single submitter. Criteria: Invitae Variant Classification Sherloc (09022015). Collection method: clinical testing. Allele origin: germline.
Comment: This sequence change creates a premature translational stop signal (p.Ser72Glyfs*13) in the SPG11 gene. It is expected to result in an absent or disrupted protein product. Loss-of-function variants in SPG11 are known to be pathogenic (PMID: 19105190, 20110243, 22154821, 26556829). This variant is not present in population databases (gnomAD no frequency). This variant has not been reported in the literature in individuals affected with SPG11-related conditions. For these reasons, this variant has been classified as Pathogenic.

Literature cited by the submitters: PubMed 19105190; PubMed 20110243; PubMed 22154821; PubMed 26556829.